The following is an entry in ClinVar:

NM_005732.4(RAD50):c.1160del (p.Pro387fs)

Gene: RAD50 (RAD50 double strand break repair protein; plus strand). Cytogenetic location: 5q31.1.
Variant type: Deletion.
Coding change: c.1160del on transcript NM_005732.4 (MANE Select); coding-DNA position 1160, one base deleted (C; older notation c.1160delC).
Protein change: p.Pro387fs; shifts the reading frame from proline 387.
Molecular consequence: frameshift variant.
Genome position (GRCh38, 1-based): chr5:132,588,795, C deleted; the last of 2 consecutive C bases (chr5:132,588,794-132,588,795); deleting either gives the same sequence. VCF-style (leftmost placement, unchanged base first): chr5-132588793-AC-A. GRCh37 (hg19) VCF-style: chr5-131924485-AC-A.
Other names: short protein forms P387fs.
Identifiers: ClinVar variation 2849486 (VCV002849486.3), dbSNP rs2479634716, ClinGen allele CA2739275036.

ClinVar aggregate classification (germline): Pathogenic (1 of 4 stars; one submission).

Conditions:
Hereditary cancer-predisposing syndrome. Also called: Neoplastic Syndromes, Hereditary; Hereditary Cancer Syndrome; Tumor predisposition; Hereditary neoplastic syndrome. Identifiers: Orphanet 140162, MedGen C0027672, MeSH D009386, MONDO:0015356.

Submission:

Labcorp Genetics (formerly Invitae), Labcorp
Classification: Pathogenic for Hereditary cancer-predisposing syndrome. Last evaluated: 2023-03-26. Review status: criteria provided, single submitter. Criteria: Invitae Variant Classification Sherloc (09022015). Collection method: clinical testing. Allele origin: germline.
Comment: For these reasons, this variant has been classified as Pathogenic. This variant has not been reported in the literature in individuals affected with RAD50-related conditions. This variant is not present in population databases (gnomAD no frequency). This sequence change creates a premature translational stop signal (p.Pro387Hisfs*14) in the RAD50 gene. It is expected to result in an absent or disrupted protein product. Loss-of-function variants in RAD50 are known to be pathogenic (PMID: 19409520).

Literature cited by the submitters: PubMed 19409520.